The following is an entry in ClinVar:

NM_001710.6(CFB):c.2212G>A (p.Ala738Thr)

Gene: CFB (complement factor B; plus strand). Cytogenetic location: 6p21.33.
Variant type: single nucleotide variant.
Coding change: c.2212G>A on transcript NM_001710.6 (MANE Select); coding-DNA position 2212, G replaced by A.
Protein change: p.Ala738Thr; replaces alanine 738 with threonine.
Molecular consequence: missense variant.
Genome position (GRCh38, 1-based): chr6:31,951,947, G>A. VCF-style: chr6-31951947-G-A. GRCh37 (hg19) VCF-style: chr6-31919724-G-A.
Other names: short protein forms A738T.
Identifiers: ClinVar variation 1350559 (VCV001350559.8), dbSNP rs754336626, ClinGen allele CA3728599.

ClinVar aggregate classification (germline): Uncertain significance (1 of 4 stars; one submission).

Allele frequency attached by ClinVar (database versions not stated): gnomAD exomes below 0.00001 and 0.00001; ExAC 0.00001; gnomAD 0.00001; TOPMed 0.00002.
gnomAD v4.1: 7 of 1,612,976 alleles (0.00043%); highest among the groups gnomAD compares: East Asian, 0.0067%; no homozygotes.

Submission:

Labcorp Genetics (formerly Invitae), Labcorp
Classification: Uncertain significance. Last evaluated: 2021-07-14. Review status: criteria provided, single submitter. Criteria: Invitae Variant Classification Sherloc (09022015). Collection method: clinical testing. Allele origin: germline.
Comment: This sequence change replaces alanine with threonine at codon 738 of the CFB protein (p.Ala738Thr). The alanine residue is highly conserved and there is a small physicochemical difference between alanine and threonine. This variant is present in population databases (rs754336626, ExAC 0.009%). This variant has not been reported in the literature in individuals affected with CFB-related conditions. Algorithms developed to predict the effect of missense changes on protein structure and function are either unavailable or do not agree on the potential impact of this missense change (SIFT: "Deleterious"; PolyPhen-2: "Probably Damaging"; Align-GVGD: "Class C0"). In summary, the available evidence is currently insufficient to determine the role of this variant in disease. Therefore, it has been classified as a Variant of Uncertain Significance.